The following is an entry in ClinVar:

NM_201384.3(PLEC):c.9960del (p.Val3322fs)

Gene: PLEC (plectin; minus strand). Cytogenetic location: 8q24.3.
Variant type: Deletion.
Coding change: c.9960del on transcript NM_201384.3 (MANE Select); coding-DNA position 9960, one base deleted (C; older notation c.9960delC).
Protein change: p.Val3322fs; shifts the reading frame from valine 3322.
Molecular consequence: frameshift variant.
Genome position (GRCh38, 1-based): chr8:143,919,861, G deleted on the plus strand (C on the coding strand, the reverse complement: PLEC is on the minus strand); the first of 2 consecutive G bases (chr8:143,919,861-143,919,862); deleting either gives the same sequence. VCF-style (leftmost placement, unchanged base first): chr8-143919860-CG-C. GRCh37 (hg19) VCF-style: chr8-144994028-CG-C.
Other names: c.10041del, p.Val3349fs (NM_000445.5); c.6660del, p.Val2222fs (NM_001410941.1); c.9918del, p.Val3308fs (NM_201378.4); c.9894del, p.Val3300fs (NM_201379.3); c.10371del, p.Val3459fs (NM_201380.4); c.9864del, p.Val3290fs (NM_201381.3); c.9960del, p.Val3322fs (NM_201382.4); c.9972del, p.Val3326fs (NM_201383.3); short protein forms V2222fs, V3290fs, V3300fs, V3308fs, V3322fs, V3326fs, V3349fs, V3459fs.
Identifiers: ClinVar variation 2506497 (VCV002506497.1), dbSNP rs2537296864, ClinGen allele CA2580617246.

ClinVar aggregate classification (germline): Likely pathogenic (1 of 4 stars; one submission).

Conditions:
Epidermolysis bullosa simplex with nail dystrophy (EBS5D). Identifiers: MedGen C4225309, MONDO:0014661, OMIM 616487.

Submission:

Diagnostics Services (NGS), CSIR - Centre For Cellular And Molecular Biology
Classification: Likely pathogenic for Epidermolysis bullosa simplex with nail dystrophy. Last evaluated: 2023-06-19. Review status: criteria provided, single submitter. Criteria: ACMG Guidelines, 2015. Collection method: clinical testing. Allele origin: unknown. Affected: yes. Observed: 1 variant allele, 1 heterozygote.
Comment: The c.9960del variant is not present in publicly available population databases like 1000 Genomes, ExAC, EVS, gnomAD, Indian Exome Database or our in-house exome database. This variant has neither been published in literature nor reported to clinical databases like in ClinVar, Human Gene Mutation Database (HGMD) or OMIM, in any affected individuals. In-silico pathogenicity prediction programs like MutationTaster2, CADD, Varsome, InterVar etc predicted this variant to be likely deleterious. The c.6240_6244del variant causes frameshift at the 2082nd position of the wild-type transcript which creates a premature translational stop signal at the altered transcript that may either result in translation of a truncated protein or cause nonsense mediated decay (NMD) of the mRNA.